The following is an entry in ClinVar:

NM_014423.4(AFF4):c.778A>G (p.Met260Val)

Gene: AFF4 (ALF transcription elongation factor 4; minus strand). Cytogenetic location: 5q31.1.
Variant type: single nucleotide variant.
Coding change: c.778A>G on transcript NM_014423.4 (MANE Select); coding-DNA position 778, A replaced by G.
Protein change: p.Met260Val; replaces methionine 260 with valine.
Molecular consequence: missense variant.
Genome position (GRCh38, 1-based): chr5:132,934,287, T>C on the plus strand (A>G on the coding strand, the complement: AFF4 is on the minus strand). VCF-style: chr5-132934287-T-C. GRCh37 (hg19) VCF-style: chr5-132269979-T-C.
Other names: short protein forms M260V.
Identifiers: ClinVar variation 1698778 (VCV001698778.5), dbSNP rs2150098305, ClinGen allele CA360958141.

ClinVar aggregate classification (germline): Likely pathogenic. Review status: criteria provided, multiple submitters, no conflicts (2 of 4 stars). 3 submissions from 3 submitters: Likely pathogenic (3). Last evaluated 2025-05-02.

Conditions:
Cognitive impairment - coarse facies - heart defects - obesity - pulmonary involvement - short stature - skeletal dysplasia syndrome. Also called: COGNITIVE IMPAIRMENT, COARSE FACIES, HEART DEFECTS, OBESITY, PULMONARY INVOLVEMENT, SHORT STATURE, AND SKELETAL DYSPLASIA; Chops syndrome; AFF4-Related CHOPS Syndrome. Identifiers: Orphanet 444077, MedGen C4085597, MONDO:0014609, OMIM 616368.

Submissions (3):

Department of Human Genetics, Hannover Medical School
Classification: Likely pathogenic for Cognitive impairment - coarse facies - heart defects - obesity - pulmonary involvement - short stature - skeletal dysplasia syndrome. Last evaluated: 2025-05-02. Review status: criteria provided, single submitter. Criteria: ACMG Guidelines, 2015. Collection method: clinical testing. Allele origin: germline. Inheritance: Autosomal dominant inheritance. Affected: yes.

Genetics and Molecular Pathology, SA Pathology
Classification: Likely pathogenic for Cognitive impairment - coarse facies - heart defects - obesity - pulmonary involvement - short stature - skeletal dysplasia syndrome. Last evaluated: 2021-09-19. Review status: criteria provided, single submitter. Criteria: ACMG Guidelines, 2015. Collection method: clinical testing. Allele origin: germline. Inheritance: Autosomal dominant inheritance. Affected: yes.
Comment: The AFF4 c.778A>G variant is classified as Likely Pathogenic (PS2, PM1, PM2 and PP3) The AFF4 c.778A>G variant is a single nucleotide change in exon 3/21 of the AFF4 gene, which is predicted to change the amino acid methionine at position 260 in the protein to valine. This variant has been identified as a de novo (PS2).This variant is located in the conserved ALF homology domain, specifically a 14 amino acid region that contains all of the previously reported AFF4 variants associated with CHOPS syndrome, and is highly conserved and constrained for missense variants (PM1). This variant is absent from population databases (PM2). This variant has not been reported in dbSNP, disease databases or the literature to date. Another variant at this amino acid position (p.Met260Thr) has been reported as a variant of uncertain significance in ClinVar (Variation ID: 985161). Computational predictions support a deleterious effect on the gene or gene product (PP3).

Juno Genomics, Hangzhou Juno Genomics, Inc
Classification: Likely pathogenic for Cognitive impairment - coarse facies - heart defects - obesity - pulmonary involvement - short stature - skeletal dysplasia syndrome. Review status: criteria provided, single submitter. Criteria: ACMG Guidelines, 2015. Collection method: clinical testing. Allele origin: germline. Affected: yes.
Comment: Absent from controls (or at extremely low frequency if recessive) in Genome Aggregation Database, Exome Sequencing Project, 1000 Genomes Project, or Exome Aggregation Consortium.;The prevalence of the variant in affected individuals is significantly increased compared to the prevalence in controls.;De novo (both maternity and paternity confirmed) in a patient with the disease and no family history.;Missense variant in a gene that has a low rate of benign missense variation and where missense variants are a common mechanism of disease.;Multiple lines of computational evidence support a deleterious effect on the gene or gene product (conservation, evolutionary, splicing impact, etc).;Located in a mutational hot spot and/or critical and well-established functional domain (e.g. active site of an enzyme) without benign variation.